The following is an entry in ClinVar:

NM_003835.4(RGS9):c.143A>C (p.His48Pro)

Gene: RGS9 (regulator of G protein signaling 9; plus strand). Cytogenetic location: 17q24.1.
Variant type: single nucleotide variant.
Coding change: c.143A>C on transcript NM_003835.4 (MANE Select); coding-DNA position 143, A replaced by C.
Protein change: p.His48Pro; replaces histidine 48 with proline.
Molecular consequence: missense variant.
Genome position (GRCh38, 1-based): chr17:65,153,507, A>C. VCF-style: chr17-65153507-A-C. GRCh37 (hg19) VCF-style: chr17-63149625-A-C.
Other names: c.143A>C, p.His48Pro (NM_001081955.3, NM_001165933.2); short protein forms H48P.
Identifiers: ClinVar variation 1399535 (VCV001399535.8), dbSNP rs2143975183, ClinGen allele CA400662935.
Genomic context (GRCh38, chr17:65,153,507, plus strand): 5'-AGAACCCAGAGACAGGGGTCCGAATGCAGAACCAGAGGGTCCTGGTCACCAGCGTTCCTC[A>C]TGCCATGACAGGTGATGTAGCTTGCACTTTAGTCTTGGCCTGGAATAGACCCCACAGGCC-3'
Protein context (NP_003826.2, residues 38-58): NQRVLVTSVP[His48Pro]AMTGSDVLQW

ClinVar aggregate classification (germline): Uncertain significance (1 of 4 stars; one submission).

Submission:

Labcorp Genetics (formerly Invitae), Labcorp
Classification: Uncertain significance. Last evaluated: 2021-06-06. Review status: criteria provided, single submitter. Criteria: Invitae Variant Classification Sherloc (09022015). Collection method: clinical testing. Allele origin: germline.
Comment: In summary, the available evidence is currently insufficient to determine the role of this variant in disease. Therefore, it has been classified as a Variant of Uncertain Significance. Algorithms developed to predict the effect of missense changes on protein structure and function are either unavailable or do not agree on the potential impact of this missense change (SIFT: "Deleterious"; PolyPhen-2: "Probably Damaging"; Align-GVGD: "Class C0"). This sequence change replaces histidine with proline at codon 48 of the RGS9 protein (p.His48Pro). The histidine residue is highly conserved and there is a moderate physicochemical difference between histidine and proline. This variant is not present in population databases (ExAC no frequency). This variant has not been reported in the literature in individuals with RGS9-related conditions.